The following is an entry in ClinVar:

ClinVar aggregate classification (germline): Uncertain significance (1 of 4 stars; one submission).

Submission:

Labcorp Genetics (formerly Invitae), Labcorp
Classification: Uncertain significance. Last evaluated: 2021-03-12. Review status: criteria provided, single submitter. Criteria: Invitae Variant Classification Sherloc (09022015). Collection method: clinical testing. Allele origin: germline.
Comment: This variant is not present in population databases (ExAC no frequency). This sequence change replaces glycine with valine at codon 93 of the RBP4 protein (p.Gly93Val). The glycine residue is highly conserved and there is a moderate physicochemical difference between glycine and valine. This variant has not been reported in the literature in individuals with RBP4-related conditions. Algorithms developed to predict the effect of missense changes on protein structure and function (SIFT, PolyPhen-2, Align-GVGD) all suggest that this variant is likely to be disruptive, but these predictions have not been confirmed by published functional studies and their clinical significance is uncertain. In summary, the available evidence is currently insufficient to determine the role of this variant in disease. Therefore, it has been classified as a Variant of Uncertain Significance.

NM_006744.4(RBP4):c.278G>T (p.Gly93Val)

Gene: RBP4 (retinol binding protein 4; minus strand). Cytogenetic location: 10q23.33.
Variant type: single nucleotide variant.
Coding change: c.278G>T on transcript NM_006744.4 (MANE Select); coding-DNA position 278, G replaced by T.
Protein change: p.Gly93Val; replaces glycine 93 with valine.
Molecular consequence: missense variant.
Genome position (GRCh38, 1-based): chr10:93,600,470, C>A on the plus strand (G>T on the coding strand, the complement: RBP4 is on the minus strand). VCF-style: chr10-93600470-C-A. GRCh37 (hg19) VCF-style: chr10-95360227-C-A.
Other names: c.278G>T, p.Gly93Val (NM_001323517.1); c.272G>T, p.Gly91Val (NM_001323518.2); short protein forms G93V, G91V.
Identifiers: ClinVar variation 1349791 (VCV001349791.8), dbSNP rs121918585, ClinGen allele CA377617449.